The following is an entry in ClinVar:

ClinVar aggregate classification (germline): Pathogenic (1 of 4 stars; one submission).

Conditions:
Hereditary spastic paraplegia 15 (SPG15). Also called: SPASTIC PARAPLEGIA 15, AUTOSOMAL RECESSIVE; KJELLIN SYNDROME; SPASTIC PARAPLEGIA AND RETINAL DEGENERATION. Identifiers: Orphanet 100996, MedGen C1849128, MONDO:0010044, OMIM 270700.

Submission:

Myriad Genetics, Inc.
Classification: Pathogenic for Hereditary spastic paraplegia 15. Last evaluated: 2023-09-11. Review status: criteria provided, single submitter. Criteria: Myriad Autosomal Dominant, Autosomal Recessive and X-Linked Classification Criteria (2023). Collection method: clinical testing. Allele origin: unknown.
Comment: NM_015346.3(ZFYVE26):c.3052_3053ins13(D1018Vfs*2) is expected to be pathogenic in the context of spastic paraplegia type 15. This variant is predicted to lead to an abnormal or absent protein product due to the creation of a premature termination codon in ZFYVE26, a gene where loss-of-function variants are known to be pathogenic. Please note: this variant was assessed in the context of healthy population screening.

NM_015346.4(ZFYVE26):c.3052_3053insTATAAGAGACAGT (p.Asp1018delinsValTer)

Gene: ZFYVE26 (zinc finger FYVE-type containing 26; minus strand). Cytogenetic location: 14q24.1.
Variant type: Insertion.
Coding change: c.3052_3053insTATAAGAGACAGT on transcript NM_015346.4 (MANE Select); coding-DNA positions 3052 to 3053, TATAAGAGACAGT inserted.
Protein change: p.Asp1018delinsValTer.
Molecular consequence: nonsense.
Genome position: GRCh38 VCF-style: chr14-67786200-T-TACTGTCTCTTATA. GRCh37 (hg19) VCF-style: chr14-68252917-T-TACTGTCTCTTATA.
Identifiers: ClinVar variation 5011650 (VCV005011650.1).